The following is an entry in ClinVar:

NM_000400.4(ERCC2):c.1898_1899del (p.Leu633fs)

Gene: ERCC2 (ERCC excision repair 2, TFIIH core complex helicase subunit; minus strand). Cytogenetic location: 19q13.32.
Variant type: Microsatellite.
Coding change: c.1898_1899del on transcript NM_000400.4 (MANE Select); coding-DNA positions 1898 to 1899, 2 bases deleted (TC; older notation c.1898_1899delTC).
Protein change: p.Leu633fs; shifts the reading frame from leucine 633.
Molecular consequence: frameshift variant. On other transcripts: non-coding transcript variant (3).
Genome position (GRCh38, 1-based): chr19:45,352,749-45,352,750, GA deleted on the plus strand (TC on the coding strand, the reverse complement: ERCC2 is on the minus strand); deleting any 2 consecutive bases within chr19:45,352,749-45,352,752 gives the same sequence; the c. name uses the placement nearest the transcript's 3' end. VCF-style (leftmost placement, unchanged base first): chr19-45352748-TGA-T. GRCh37 (hg19) VCF-style: chr19-45856006-TGA-T.
Other names: c.1826_1827del, p.Leu609fs (NM_001440355.1); c.1820_1821del, p.Leu607fs (NM_001440356.1); c.1775_1776del, p.Leu592fs (NM_001440357.1); short protein forms L592fs, L607fs, L609fs, L633fs.
Identifiers: ClinVar variation 5015364 (VCV005015364.1).

ClinVar aggregate classification (germline): Pathogenic (1 of 4 stars; one submission).

Conditions:
ERCC2-related disorder. Also called: ERCC2-related conditions; ERCC2-related condition; ERCC2-related disorders. Identifiers: MedGen CN239291.

Submission:

Myriad Genetics, Inc.
Classification: Pathogenic for ERCC2-related disorder. Last evaluated: 2025-12-24. Review status: criteria provided, single submitter. Criteria: Myriad Autosomal Dominant, Autosomal Recessive and X-Linked Classification Criteria (2023). Collection method: clinical testing. Allele origin: unknown.
Comment: NM_000400.3(ERCC2):c.1898_1899delTC(L633Qfs*15) is expected to be pathogenic in the context of ERCC2-related disorders. This variant is predicted to lead to an abnormal or absent protein product due to the creation of a premature termination codon in ERCC2, a gene where loss-of-function variants are known to be pathogenic. Please note: this variant was assessed in the context of healthy population screening.